The following is an entry in ClinVar:

ClinVar aggregate classification (germline): Likely benign. Review status: criteria provided, single submitter (1 of 4 stars). 2 submissions from 2 submitters: Likely benign (1). 1 of the submissions does not count toward it. Last evaluated 2025-06-06.

Conditions:
Familial infantile myasthenia (CMS6). Also called: MYASTHENIC SYNDROME, PRESYNAPTIC, CONGENITAL, ASSOCIATED WITH EPISODIC APNEA; MYASTHENIC SYNDROME, CONGENITAL, 6, PRESYNAPTIC; Congenital myasthenic syndrome type 6. Identifiers: Orphanet 590, MedGen C0393929, MONDO:0009689, OMIM 254210.
CHAT-related disorder. Also called: CHAT-related condition.

Allele frequency attached by ClinVar (database versions not stated): gnomAD exomes 0.00001; TOPMed 0.00001.
gnomAD v4.1: 12 of 1,598,986 alleles (0.00075%); highest among the groups gnomAD compares: Non-Finnish European, 0.001%; no homozygotes.

Submissions (2):

Labcorp Genetics (formerly Invitae), Labcorp
Classification: Likely benign for Familial infantile myasthenia. Last evaluated: 2025-06-06. Review status: criteria provided, single submitter. Criteria: Invitae Variant Classification Sherloc (09022015). Collection method: clinical testing. Allele origin: germline.

PreventionGenetics, part of Exact Sciences
Classification: Likely benign for CHAT-related condition. Last evaluated: 2019-06-26. Review status: no assertion criteria provided. Collection method: clinical testing. Allele origin: germline. Not counted in ClinVar's aggregate classification.
Comment: This variant is classified as likely benign based on ACMG/AMP sequence variant interpretation guidelines (Richards et al. 2015 PMID: 25741868, with internal and published modifications).

NM_020549.5(CHAT):c.580-8C>T

Gene: CHAT (choline O-acetyltransferase; plus strand). Cytogenetic location: 10q11.23.
Variant type: single nucleotide variant.
Coding change: c.580-8C>T on transcript NM_020549.5 (MANE Select); 8 bases into the intron before coding-DNA position 580, C replaced by T.
Molecular consequence: intron variant.
Genome position (GRCh38, 1-based): chr10:49,620,487, C>T. VCF-style: chr10-49620487-C-T. GRCh37 (hg19) VCF-style: chr10-50828533-C-T.
Other names: c.226-8C>T (NM_020984.4, NM_020985.4, NM_020986.4 and 2 more transcripts); c.334-8C>T (NM_001142933.2).
Identifiers: ClinVar variation 742071 (VCV000742071.8), dbSNP rs1590562931, ClinGen allele CA915945899.